The following is an entry in ClinVar:

ClinVar aggregate classification (germline): Likely pathogenic. Review status: criteria provided, multiple submitters, no conflicts (2 of 4 stars). 2 submissions from 2 submitters: Likely pathogenic (2). Last evaluated 2026-02-20.

Conditions:
Familial hypokalemia-hypomagnesemia (GTLMNS). Also called: HYPOMAGNESEMIA-HYPOKALEMIA, PRIMARY RENOTUBULAR, WITH HYPOCALCIURIA; POTASSIUM AND MAGNESIUM DEPLETION; gitelman syndrome. Identifiers: Orphanet 358, MedGen C0268450, MONDO:0009904, OMIM 263800.

Submissions (2):

Victorian Clinical Genetics Services, Murdoch Childrens Research Institute
Classification: Likely pathogenic for Familial hypokalemia-hypomagnesemia. Last evaluated: 2026-02-20. Review status: criteria provided, single submitter. Criteria: ACMG Guidelines, 2015. Collection method: clinical testing. Allele origin: germline. Affected: yes.
Comment: This variant is classified as Likely pathogenic. Evidence in support of pathogenic classification: Variant is present in gnomAD <0.01 for a recessive condition (v#: 3 heterozygote(s), 0 homozygote(s)); This variant has limited previous evidence of pathogenicity in unrelated individual(s). This variant has been classified as likely pathogenic by a clinical laboratory (ClinVar). It has also been reported in a compound heterozygous individual with Gitelman syndrome (PMID: 32542819); This variant has moderate functional evidence supporting abnormal protein function. An in vitro Na+ uptake experiment showed this variant had a significantly diminished Na+ uptake (38% ± 14%) compared to wildtype (PMID: 34860177); Strong phenotype match for this individual. Evidence in support of benign classification: Missense variant predicted to be tolerated by in silico tool(s) or not conserved in placental mammals with a minor amino acid change. Additional information: Variant is predicted to result in a missense amino acid change from Leu to Phe; This variant is heterozygous; This gene is associated with autosomal recessive disease; Alternative amino acid change(s) at the same position are present in gnomAD (highest allele count: v4: 15 heterozygote(s), 0 homozygote(s)); No published evidence of segregation with disease has been identified for this variant; No comparable missense variants have previous evidence for pathogenicity; Variant is located in the annotated amino acid permease domain (DECIPHER); Loss of function is a known mechanism of disease in this gene and is associated with Gitelman syndrome (MIM#263800); Inheritance information for this variant is not currently available in this individual.

Women's Health and Genetics/Laboratory Corporation of America, LabCorp
Classification: Likely pathogenic for Familial hypokalemia-hypomagnesemia. Last evaluated: 2024-12-20. Review status: criteria provided, single submitter. Criteria: LabCorp Variant Classification Summary - May 2015. Collection method: clinical testing. Allele origin: germline.
Comment: Variant summary: SLC12A3 c.643C>T (p.Leu215Phe) results in a non-conservative amino acid change located in the Amino acid permease domain (IPR004841) of the encoded protein sequence. Two of three in-silico tools predict a damaging effect of the variant on protein function. The variant allele was found at a frequency of 4e-06 in 251324 control chromosomes. c.643C>T has been reported in the presumed compound heterozygous state in the literature in at least 2 individuals affected with Gitelman syndrome (example, Mou_2023, Zhang_2020, Zhang_2023). These data indicate that the variant may be associated with disease. Additionally, a different missense change at this codon has been classified as pathogenic by Labcorp (p.Leu215Pro), supporting the critical relevance of codon 215 to SLC12A3 protein function. At least one publication reports experimental evidence evaluating an impact on protein function. The most pronounced variant effect results in 30%-50% of normal transporter activity in vitro (example, Jiang_2022). No submitters have cited clinical-significance assessments for this variant to ClinVar. Based on the evidence outlined above, the variant was classified as likely pathogenic.

Literature cited by the submitters: PubMed 32542819 (cited by Victorian Clinical Genetics Services, Murdoch Childrens Research Institute and Women's Health and Genetics/Laboratory Corporation of America, LabCorp); PubMed 36806220 (cited by Women's Health and Genetics/Laboratory Corporation of America, LabCorp); PubMed 37702302 (cited by Women's Health and Genetics/Laboratory Corporation of America, LabCorp); PubMed 34860177 (cited by Women's Health and Genetics/Laboratory Corporation of America, LabCorp).

NM_001126108.2(SLC12A3):c.643C>T (p.Leu215Phe)

Gene: SLC12A3 (solute carrier family 12 member 3; plus strand). Cytogenetic location: 16q13.
Variant type: single nucleotide variant.
Coding change: c.643C>T on transcript NM_001126108.2 (MANE Select); coding-DNA position 643, C replaced by T.
Protein change: p.Leu215Phe; replaces leucine 215 with phenylalanine.
Molecular consequence: missense variant.
Genome position (GRCh38, 1-based): chr16:56,870,137, C>T. VCF-style: chr16-56870137-C-T. GRCh37 (hg19) VCF-style: chr16-56904049-C-T.
Other names: c.643C>T, p.Leu215Phe (NM_000339.3); c.640C>T, p.Leu214Phe (NM_001126107.2, NM_001410896.1); short protein forms L214F, L215F.
Identifiers: ClinVar variation 3768496 (VCV003768496.2).